The following is an entry in ClinVar:

ClinVar aggregate classification (germline): Uncertain significance. Review status: criteria provided, multiple submitters, no conflicts (2 of 4 stars). 3 submissions from 3 submitters: Uncertain significance (3). Last evaluated 2025-09-26.

Conditions:
Tuberous sclerosis 1 (TSC1). Identifiers: Orphanet 805, MedGen C1854465, MONDO:0008612, OMIM 191100.
Hereditary cancer-predisposing syndrome. Also called: Neoplastic Syndromes, Hereditary; Hereditary neoplastic syndrome; Hereditary Cancer Syndrome; Tumor predisposition. Identifiers: Orphanet 140162, MedGen C0027672, MeSH D009386, MONDO:0015356.
Tuberous sclerosis syndrome (TSC). Also called: Tuberous Sclerosis Complex; Tuberous sclerosis. Identifiers: Orphanet 805, MedGen C0041341, MONDO:0001734.

Submissions (3):

Ambry Genetics
Classification: Uncertain significance for Hereditary cancer-predisposing syndrome. Last evaluated: 2025-09-26. Review status: criteria provided, single submitter. Criteria: Ambry Variant Classification Scheme 2023. Collection method: clinical testing. Allele origin: germline.
Comment: The p.P583A variant (also known as c.1747C>G), located in coding exon 13 of the TSC1 gene, results from a C to G substitution at nucleotide position 1747. The proline at codon 583 is replaced by alanine, an amino acid with highly similar properties. This amino acid position is conserved. In addition, the in silico prediction for this alteration is inconclusive. Based on the available evidence, the clinical significance of this variant remains unclear.

Color Diagnostics, LLC DBA Color Health
Classification: Uncertain significance for Tuberous sclerosis syndrome. Last evaluated: 2025-06-12. Review status: criteria provided, single submitter. Criteria: ACMG Guidelines, 2015. Collection method: clinical testing. Allele origin: germline.
Comment: This missense variant replaces proline with alanine at codon 583 of the TSC1 protein. Computational prediction is inconclusive regarding the impact of this variant on protein structure and function. To our knowledge, functional studies have not been reported for this variant. This variant has not been reported in individuals affected with TSC1-related disorders in the literature. This variant has not been identified in the general population by the Genome Aggregation Database (gnomAD). The available evidence is insufficient to determine the role of this variant in disease conclusively. Therefore, this variant is classified as a Variant of Uncertain Significance.

Labcorp Genetics (formerly Invitae), Labcorp
Classification: Uncertain significance for Tuberous sclerosis 1. Last evaluated: 2021-10-01. Review status: criteria provided, single submitter. Criteria: Invitae Variant Classification Sherloc (09022015). Collection method: clinical testing. Allele origin: germline.
Comment: In summary, the available evidence is currently insufficient to determine the role of this variant in disease. Therefore, it has been classified as a Variant of Uncertain Significance. Algorithms developed to predict the effect of missense changes on protein structure and function are either unavailable or do not agree on the potential impact of this missense change (SIFT: "Tolerated"; PolyPhen-2: "Probably Damaging"; Align-GVGD: "Class C0"). This variant has not been reported in the literature in individuals affected with TSC1-related conditions. This variant is not present in population databases (ExAC no frequency). This sequence change replaces proline with alanine at codon 583 of the TSC1 protein (p.Pro583Ala). The proline residue is moderately conserved and there is a small physicochemical difference between proline and alanine.

NM_000368.5(TSC1):c.1747C>G (p.Pro583Ala)

Gene: TSC1 (TSC complex subunit 1; minus strand). Cytogenetic location: 9q34.13.
Variant type: single nucleotide variant.
Coding change: c.1747C>G on transcript NM_000368.5 (MANE Select); coding-DNA position 1747, C replaced by G.
Protein change: p.Pro583Ala; replaces proline 583 with alanine.
Molecular consequence: missense variant.
Genome position (GRCh38, 1-based): chr9:132,905,831, G>C on the plus strand (C>G on the coding strand, the complement: TSC1 is on the minus strand). VCF-style: chr9-132905831-G-C. GRCh37 (hg19) VCF-style: chr9-135781218-G-C.
Other names: c.1744C>G, p.Pro582Ala (NM_001162426.2); c.1594C>G, p.Pro532Ala (NM_001162427.2); c.1384C>G, p.Pro462Ala (NM_001362177.2); c.1747C>G (NM_000368.4); short protein forms P583A, P462A, P582A, P532A.
Identifiers: ClinVar variation 1402411 (VCV001402411.8), dbSNP rs2131827202, ClinGen allele CA375363815.